The following is an entry in ClinVar:

ClinVar aggregate classification (germline): Pathogenic (1 of 4 stars; one submission).

Conditions:
Epidermodysplasia verruciformis. Identifiers: Orphanet 302, MedGen C0014522, MONDO:0009176.

Allele frequency attached by ClinVar (database versions not stated): gnomAD exomes 0.00001.

Submission:

Labcorp Genetics (formerly Invitae), Labcorp
Classification: Pathogenic for Epidermodysplasia verruciformis. Last evaluated: 2025-11-10. Review status: criteria provided, single submitter. Criteria: Invitae Variant Classification Sherloc (09022015). Collection method: clinical testing. Allele origin: germline.
Comment: This sequence change creates a premature translational stop signal (p.Ser32Phefs*111) in the TMC8 gene. It is expected to result in an absent or disrupted protein product. Loss-of-function variants in TMC8 are known to be pathogenic (PMID: 12426567, 22158547). This variant is present in population databases (no rsID available, gnomAD 0.008%). This variant has not been reported in the literature in individuals affected with TMC8-related conditions. ClinVar contains an entry for this variant (Variation ID: 1455103). For these reasons, this variant has been classified as Pathogenic.

Literature cited by the submitters: PubMed 12426567; PubMed 22158547.

NM_152468.5(TMC8):c.94dup (p.Ser32fs)

Genes: TMC6 (transmembrane channel like 6; minus strand), TMC8 (transmembrane channel like 8; plus strand), LOC130061792 (ATAC-STARR-seq lymphoblastoid silent region 9043; plus strand). Cytogenetic location: 17q25.3.
Variant type: Duplication.
Coding change: c.94dup on transcript NM_152468.5 (MANE Select); coding-DNA position 94, one base duplicated (T; older notation c.94dupT).
Protein change: p.Ser32fs; shifts the reading frame from serine 32.
Molecular consequence: frameshift variant. On other transcripts: intron variant (1).
Genome position (GRCh38, 1-based): chr17:78,131,682, T duplicated. VCF-style (leftmost placement, unchanged base first): chr17-78131681-C-CT. GRCh37 (hg19) VCF-style: chr17-76127762-C-CT.
Other names: c.-75+659dup (NM_007267.7); short protein forms S32fs.
Identifiers: ClinVar variation 1455103 (VCV001455103.8), dbSNP rs1568011732, ClinGen allele CA628013743.